The following is an entry in ClinVar:

NM_000219.6(KCNE1):c.21A>C (p.Thr7=)

Gene: KCNE1 (potassium voltage-gated channel subfamily E regulatory subunit 1; minus strand). Cytogenetic location: 21q22.12.
Variant type: single nucleotide variant.
Coding change: c.21A>C on transcript NM_000219.6 (MANE Select); coding-DNA position 21, A replaced by C.
Protein change: p.Thr7=; no amino-acid change (threonine 7 retained).
Molecular consequence: synonymous variant.
Genome position (GRCh38, 1-based): chr21:34,449,614, T>G on the plus strand (A>C on the coding strand, the complement: KCNE1 is on the minus strand). VCF-style: chr21-34449614-T-G. GRCh37 (hg19) VCF-style: chr21-35821912-T-G.
Other names: c.21A>C, p.Thr7= (NM_001127668.4, NM_001127669.4, NM_001127670.4 and 4 more transcripts).
Identifiers: ClinVar variation 3374332 (VCV003374332.2).

Conditions:
Long QT syndrome 5 (LQT5). Identifiers: Orphanet 101016, Orphanet 768, MedGen C1867904, MONDO:0013372, OMIM 613695.

Submission:

Roden Lab, Vanderbilt University Medical Center
No classification provided (evidence only). Condition: Long QT syndrome 5. Review status: no classification provided. Collection method: in vitro. Allele origin: not applicable. Functional consequence: Effect on ion channel function.
ClinVar note: "not provided" was previously submitted as the classification for the variant. However, the classification appeared to be based only on an observation of functional data so it was converted to no classification on 2025-07-30.